The following is an entry in ClinVar:

ClinVar aggregate classification (germline): Pathogenic. Review status: criteria provided, multiple submitters, no conflicts (2 of 4 stars). 2 submissions from 2 submitters: Pathogenic (2). Last evaluated 2025-08-18.

Conditions:
Autism spectrum disorder. Also called: Autism spectrum disorders. Identifiers: MedGen C1510586, MeSH D000067877, MONDO:0005258.

Submissions (2):

GeneDx
Classification: Pathogenic. Last evaluated: 2025-08-18. Review status: criteria provided, single submitter. Criteria: GeneDx Variant Classification Process June 2021. Collection method: clinical testing. Allele origin: germline. Affected: yes.
Comment: Not observed at significant frequency in large population cohorts (gnomAD); Canonical splice site variant predicted to result in a null allele in a gene for which loss of function is a known mechanism of disease; This variant is associated with the following publications: (PMID: 33951346, 30922778, 30763456, 30376817)

Liping Wei Laboratory, Peking University
Classification: Pathogenic for Autism spectrum disorder. Last evaluated: 2018-08-01. Review status: criteria provided, single submitter. Criteria: Zhou et al. (Hum Mutat. 2019). Collection method: research. Allele origin: de novo. Affected: yes. Observed: 1 variant allele.

NM_002397.5(MEF2C):c.403-1G>T

Gene: MEF2C (myocyte enhancer factor 2C; minus strand). Cytogenetic location: 5q14.3.
Variant type: single nucleotide variant.
Coding change: c.403-1G>T on transcript NM_002397.5 (MANE Select); the canonical splice acceptor site of the intron before coding-DNA position 403, G replaced by T.
Molecular consequence: splice acceptor variant.
Genome position (GRCh38, 1-based): chr5:88,752,044, C>A on the plus strand (G>T on the coding strand, the complement: MEF2C is on the minus strand). VCF-style: chr5-88752044-C-A. GRCh37 (hg19) VCF-style: chr5-88047861-C-A.
Other names: c.403-1G>T (NM_001308002.3, NM_001364331.2, NM_001364334.2 and 18 more transcripts); c.25-1G>T (NM_001364353.2, NM_001364356.2); c.397-1G>T (NM_001131005.2, NM_001364352.2, NM_001364343.2); c.457-1G>T (NM_001193347.1, NM_001364338.2); c.259-1G>T (NM_001364354.2, NM_001364332.2, NM_001364355.2 and 3 more transcripts); c.-24-1G>T (NM_001364357.2).
Identifiers: ClinVar variation 562143 (VCV000562143.4), dbSNP rs1561824498, ClinGen allele CA360424067.